The following is an entry in ClinVar:

NM_002968.3(SALL1):c.778C>G (p.Gln260Glu)

Gene: SALL1 (spalt like transcription factor 1; minus strand). Cytogenetic location: 16q12.1.
Variant type: single nucleotide variant.
Coding change: c.778C>G on transcript NM_002968.3 (MANE Select); coding-DNA position 778, C replaced by G.
Protein change: p.Gln260Glu; replaces glutamine 260 with glutamic acid.
Molecular consequence: missense variant.
Genome position (GRCh38, 1-based): chr16:51,141,444, G>C on the plus strand (C>G on the coding strand, the complement: SALL1 is on the minus strand). VCF-style: chr16-51141444-G-C. GRCh37 (hg19) VCF-style: chr16-51175355-G-C.
Other names: c.487C>G, p.Gln163Glu (NM_001127892.2); short protein forms Q163E, Q260E.
Identifiers: ClinVar variation 4879541 (VCV004879541.1).

ClinVar aggregate classification (germline): Uncertain significance (1 of 4 stars; one submission).

Conditions:
Townes-Brocks syndrome 1 (TBS1). Also called: DEAFNESS, SENSORINEURAL, WITH IMPERFORATE ANUS AND THUMB ANOMALIES; SALL1-Related Townes-Brocks Syndrome; REAR SYNDROME; RENAL-EAR-ANAL-RADIAL SYNDROME. Identifiers: Orphanet 857, MedGen C4551481, MONDO:0054581, OMIM 107480.

Submission:

Clinical Genomics Laboratory, Washington University in St. Louis
Classification: Uncertain significance for Townes-Brocks syndrome 1. Last evaluated: 2025-12-04. Review status: criteria provided, single submitter. Criteria: ACMG Guidelines, 2015. Collection method: clinical testing. Allele origin: germline.
Comment: The SALL1 c.778C>G (p.Gln260Glu) variant, to our knowledge, has not been reported in the medical literature and is only observed in 11/1,614,180 alleles in the general population (gnomAD v4.1.0), indicating it is not a common variant. Computational predictors are uncertain as to the impact of this variant on SALL1 function and most known pathogenic variants are nonsense or frameshift. Due to limited information, and based on ACMG/AMP guidelines for variant interpretation (Richards S et al., PMID: 25741868), the clinical significance of this variant is uncertain at this time.